The following is an entry in ClinVar:

NM_182916.3(TRNT1):c.118C>G (p.Leu40Val)

Gene: TRNT1 (tRNA nucleotidyl transferase 1; plus strand). Cytogenetic location: 3p26.2.
Variant type: single nucleotide variant.
Coding change: c.118C>G on transcript NM_182916.3 (MANE Select); coding-DNA position 118, C replaced by G.
Protein change: p.Leu40Val; replaces leucine 40 with valine.
Molecular consequence: missense variant. On other transcripts: non-coding transcript variant (11).
Genome position (GRCh38, 1-based): chr3:3,129,158, C>G. VCF-style: chr3-3129158-C-G. GRCh37 (hg19) VCF-style: chr3-3170842-C-G.
Other names: c.118C>G, p.Leu40Val (NM_001302946.2, NM_001367321.1, NM_001367322.1 and 1 more transcripts); c.118C>G (NM_182916.2); short protein forms L40V.
Identifiers: ClinVar variation 1355860 (VCV001355860.8), dbSNP rs908960894, ClinGen allele CA68723159.

ClinVar aggregate classification (germline): Uncertain significance. Review status: criteria provided, multiple submitters, no conflicts (2 of 4 stars). 3 submissions from 3 submitters: Uncertain significance (3). Last evaluated 2025-04-25.

Conditions:
Inborn genetic diseases. Identifiers: MedGen C0950123, MeSH D030342.
Congenital sideroblastic anemia-B-cell immunodeficiency-periodic fever-developmental delay syndrome. Also called: Sideroblastic anemia with B-cell immunodeficiency, periodic fevers, and developmental delay. Identifiers: Orphanet 369861, MedGen C4015172, MONDO:0014487, OMIM 616084.

gnomAD v4.1: 8 of 1,614,162 alleles (0.0005%); highest among the groups gnomAD compares: South Asian, 0.0044%; no homozygotes.

Submissions (3):

Ambry Genetics
Classification: Uncertain significance for Inborn genetic diseases. Last evaluated: 2025-04-25. Review status: criteria provided, single submitter. Criteria: Ambry Variant Classification Scheme 2023. Collection method: clinical testing. Allele origin: germline.

Labcorp Genetics (formerly Invitae), Labcorp
Classification: Uncertain significance for Congenital sideroblastic anemia-B-cell immunodeficiency-periodic fever-developmental delay syndrome. Last evaluated: 2023-11-13. Review status: criteria provided, single submitter. Criteria: Invitae Variant Classification Sherloc (09022015). Collection method: clinical testing. Allele origin: germline.
Comment: This sequence change replaces leucine, which is neutral and non-polar, with valine, which is neutral and non-polar, at codon 40 of the TRNT1 protein (p.Leu40Val). This variant is present in population databases (no rsID available, gnomAD 0.006%). This variant has not been reported in the literature in individuals affected with TRNT1-related conditions. ClinVar contains an entry for this variant (Variation ID: 1355860). An algorithm developed to predict the effect of missense changes on protein structure and function (PolyPhen-2) suggests that this variant is likely to be tolerated. In summary, the available evidence is currently insufficient to determine the role of this variant in disease. Therefore, it has been classified as a Variant of Uncertain Significance.

Blueprint Genetics
Classification: Uncertain significance. Last evaluated: 2021-03-05. Review status: criteria provided, single submitter. Criteria: ACMG Guidelines, 2015. Collection method: clinical testing. Allele origin: germline.